The following is an entry in ClinVar:

NM_004431.5(EPHA2):c.*443T>C

Gene: EPHA2 (EPH receptor A2; minus strand). Cytogenetic location: 1p36.13.
Variant type: single nucleotide variant.
Coding change: c.*443T>C on transcript NM_004431.5 (MANE Select); 443 bases downstream of the stop codon, T replaced by C.
Molecular consequence: 3 prime UTR variant.
Genome position (GRCh38, 1-based): chr1:16,124,772, A>G on the plus strand (T>C on the coding strand, the complement: EPHA2 is on the minus strand). VCF-style: chr1-16124772-A-G. GRCh37 (hg19) VCF-style: chr1-16451267-A-G.
Other names: c.*443T>C (NM_001329090.2).
Identifiers: ClinVar variation 293397 (VCV000293397.6), dbSNP rs113810531, ClinGen allele CA10608156.

ClinVar aggregate classification (germline): Benign. Review status: criteria provided, multiple submitters, no conflicts (2 of 4 stars). 2 submissions from 2 submitters: Benign (2). Last evaluated 2018-01-12.

Conditions:
Cataract 6 multiple types. Also called: CATARACT, AGE-RELATED CORTICAL, 2; CATARACT 6, POSTERIOR POLAR; CATARACT 6, CONGENITAL TOTAL. Identifiers: Orphanet 91492, MedGen C1861825, MONDO:0007288, OMIM 116600.

Allele frequency attached by ClinVar (database versions not stated): gnomAD 0.01797 and 0.01920; 1000 Genomes Project 30x 0.02280; 1000 Genomes Project 0.02196; gnomAD exomes 0.00362; TOPMed 0.02042.
gnomAD v4.1: 2,841 of 189,478 alleles (1.5%); highest among the groups gnomAD compares: African/African-American, 6%; 92 homozygotes.

Submissions (2):

Illumina Laboratory Services, Illumina
Classification: Benign for Cataract 6 multiple types. Last evaluated: 2018-01-12. Review status: criteria provided, single submitter. Criteria: ICSL Variant Classification Criteria 13 December 2019. Collection method: clinical testing. Allele origin: germline.
Comment: This variant was observed in the ICSL laboratory as part of a predisposition screen in an ostensibly healthy population. It had not been previously curated by ICSL or reported in the Human Gene Mutation Database (HGMD: prior to June 1st, 2018), and was therefore a candidate for classification through an automated scoring system. Utilizing variant allele frequency, disease prevalence and penetrance estimates, and inheritance mode, an automated score was calculated to assess if this variant is too frequent to cause the disease. Based on the score and internal cut-off values, a variant classified as benign is not then subjected to further curation. The score for this variant resulted in a classification of benign for this disease.

Breakthrough Genomics
Classification: Benign. Review status: criteria provided, single submitter. Criteria: ACMG Guidelines, 2015. Collection method: not provided. Allele origin: germline. Inheritance: Autosomal dominant inheritance. Affected: yes.